The following is an entry in ClinVar:

ClinVar aggregate classification (germline): Uncertain significance (1 of 4 stars; one submission).

Conditions:
Inborn genetic diseases. Identifiers: MedGen C0950123, MeSH D030342.

Submission:

Ambry Genetics
Classification: Uncertain significance for Inborn genetic diseases. Last evaluated: 2025-09-28. Review status: criteria provided, single submitter. Criteria: Ambry Variant Classification Scheme 2023. Collection method: clinical testing. Allele origin: germline.
Comment: The p.N1057D variant (also known as c.3169A>G), located in coding exon 15 of the MECOM gene, results from an A to G substitution at nucleotide position 3169. The asparagine at codon 1057 is replaced by aspartic acid, an amino acid with highly similar properties. This amino acid position is conserved. In addition, this alteration is predicted to be tolerated by in silico analysis. Based on the available evidence, the clinical significance of this variant remains unclear.

NM_004991.4(MECOM):c.3169A>G (p.Asn1057Asp)

Gene: MECOM (MDS1 and EVI1 complex locus; minus strand). Cytogenetic location: 3q26.2.
Variant type: single nucleotide variant.
Coding change: c.3169A>G on transcript NM_004991.4 (MANE Select); coding-DNA position 3169, A replaced by G.
Protein change: p.Asn1057Asp; replaces asparagine 1057 with aspartic acid.
Molecular consequence: missense variant.
Genome position (GRCh38, 1-based): chr3:169,090,232, T>C on the plus strand (A>G on the coding strand, the complement: MECOM is on the minus strand). VCF-style: chr3-169090232-T-C. GRCh37 (hg19) VCF-style: chr3-168808020-T-C.
Other names: c.2800A>G, p.Asn934Asp (NM_001105077.4); c.2605A>G, p.Asn869Asp (NM_001105078.4, NM_001205194.2, NM_001366469.2 and 1 more transcripts); c.2581A>G, p.Asn861Asp (NM_001163999.2, NM_001366470.2); c.2578A>G, p.Asn860Asp (NM_001164000.2, NM_001366471.2, NM_001366472.2); c.3142A>G, p.Asn1048Asp (NM_001366466.2); c.2608A>G, p.Asn870Asp (NM_001366467.2, NM_001366468.2); c.2170A>G, p.Asn724Asp (NM_001366473.2); c.1606A>G, p.Asn536Asp (NM_001366474.2); short protein forms N860D, N861D, N869D, N934D, N1048D, N1057D, N536D, N724D.
Identifiers: ClinVar variation 4624611 (VCV004624611.1).